The following is an entry in ClinVar:

ClinVar aggregate classification (germline): Benign. Review status: reviewed by expert panel (3 of 4 stars). 2 submissions from 2 submitters: Benign (1). 1 of the submissions does not count toward it. Last evaluated 2022-02-11.

Conditions:
Hereditary thrombocytopenia and hematologic cancer predisposition syndrome. Identifiers: Orphanet 71290, MedGen CN281654, MONDO:0011071.
Hereditary thrombocytopenia and hematological cancer predisposition syndrome associated with RUNX1. Also called: PLATELET DISORDER, ASPIRIN-LIKE; RUNX1 Familial Platelet Disorder with Associated Myeloid Malignancies; Familial Platelet Disorder with Propensity to Acute Myelogenous Leukemia; Familial thrombocytopenia with propensity to acute myelogenous leukemia. Identifiers: Orphanet 71290, MedGen C1832388, MeSH C563324, MONDO:0100083, OMIM 601399.

Allele frequency attached by ClinVar (database versions not stated): gnomAD 0.00006 and 0.00019; 1000 Genomes Project 0.00100.

Submissions (2):

ClinGen Myeloid Malignancy Variant Curation Expert Panel
Classification: Benign for Hereditary thrombocytopenia and hematologic cancer predisposition syndrome. Last evaluated: 2022-02-11. Review status: reviewed by expert panel. Criteria: ClinGen MyeloMalig ACMG Specifications v2. Collection method: curation. Allele origin: germline. Inheritance: Autosomal dominant inheritance.
Comment: NM_001754.5(RUNX1):c.*683G>T is a 3' UTR variant. MAF of 0.004105 (0.4105%, 19/4628 alleles) in the South Asian subpopulation of the gnomAD v3.1.2 cohort is ≥ 0.0015 (0.15%). One homozygote is present in gnomADv3.1.2. In summary, this variant meets the criteria to be classified as benign. ACMG/AMP criteria applied, as specified by the Myeloid Malignancy Variant Curation Expert Panel for RUNX1: BA1, BP2

Illumina Laboratory Services, Illumina
Classification: Benign for Hereditary thrombocytopenia and hematological cancer predisposition syndrome associated with RUNX1. Last evaluated: 2018-01-12. Review status: criteria provided, single submitter. Criteria: ICSL Variant Classification Criteria 13 December 2019. Collection method: clinical testing. Allele origin: germline. Not counted in ClinVar's aggregate classification.
Comment: This variant was observed in the ICSL laboratory as part of a predisposition screen in an ostensibly healthy population. It had not been previously curated by ICSL or reported in the Human Gene Mutation Database (HGMD: prior to June 1st, 2018), and was therefore a candidate for classification through an automated scoring system. Utilizing variant allele frequency, disease prevalence and penetrance estimates, and inheritance mode, an automated score was calculated to assess if this variant is too frequent to cause the disease. Based on the score and internal cut-off values, a variant classified as benign is not then subjected to further curation. The score for this variant resulted in a classification of benign for this disease.

NM_001754.5(RUNX1):c.*683G>T

Gene: RUNX1 (RUNX family transcription factor 1; minus strand). Cytogenetic location: 21q22.12.
Variant type: single nucleotide variant.
Coding change: c.*683G>T on transcript NM_001754.5 (MANE Select); 683 bases downstream of the stop codon, G replaced by T.
Molecular consequence: 3 prime UTR variant.
Genome position (GRCh38, 1-based): chr21:34,791,452, C>A on the plus strand (G>T on the coding strand, the complement: RUNX1 is on the minus strand). VCF-style: chr21-34791452-C-A. GRCh37 (hg19) VCF-style: chr21-36163749-C-A.
Other names: c.*683G>T (NM_001001890.3).
Identifiers: ClinVar variation 339857 (VCV000339857.6), dbSNP rs575769251, ClinGen allele CA10644634.
Genomic context (GRCh38, chr21:34,791,452, plus strand): 5'-GAATACAGTAGTTAAAAATGACCCAAAGCTGTAGCTGTTTCTCAAAAAAACAAAACAAAA[C>A]AAAAAAAAACAACTACCCAAAAGTCCAAAAGAAAAGTTAAATAAAACTTAAAGAAAAGGG-3'